The following is an entry in ClinVar:

ClinVar aggregate classification (germline): Likely benign. Review status: criteria provided, single submitter (1 of 4 stars). 2 submissions from 2 submitters: Likely benign (1). 1 of the submissions does not count toward it. Last evaluated 2022-02-09.

Conditions:
F13A1-related disorder. Also called: F13A1-related condition.

Allele frequency attached by ClinVar (database versions not stated): ExAC 0.00005; gnomAD exomes 0.00006 and 0.00007; ESP Exome Variant Server 0.00008; TOPMed 0.00015; gnomAD 0.00017 and 0.00018.
gnomAD v4.1: 109 of 1,614,014 alleles (0.0068%); highest among the groups gnomAD compares: Admixed American, 0.058%; no homozygotes.

Submissions (2):

Women's Health and Genetics/Laboratory Corporation of America, LabCorp
Classification: Likely benign. Last evaluated: 2022-02-09. Review status: criteria provided, single submitter. Criteria: LabCorp Variant Classification Summary - May 2015. Collection method: clinical testing. Allele origin: germline.
Comment: Variant summary: F13A1 c.1695G>A alters a non-conserved nucleotide resulting in a synonymous change. 4/4 computational tools predict no significant impact on normal splicing. However, these predictions have yet to be confirmed by functional studies. The variant allele was found at a frequency of 7.2e-05 in 251400 control chromosomes (gnomAD). To our knowledge, no occurrence of c.1695G>A in individuals affected with Factor XIIIA Deficiency and no experimental evidence demonstrating its impact on protein function have been reported. No clinical diagnostic laboratories have submitted clinical-significance assessments for this variant to ClinVar after 2014. Based on the evidence outlined above, the variant was classified as likely benign.

PreventionGenetics, part of Exact Sciences
Classification: Likely benign for F13A1-related condition. Last evaluated: 2020-04-01. Review status: no assertion criteria provided. Collection method: clinical testing. Allele origin: germline. Not counted in ClinVar's aggregate classification.
Comment: This variant is classified as likely benign based on ACMG/AMP sequence variant interpretation guidelines (Richards et al. 2015 PMID: 25741868, with internal and published modifications).

NM_000129.4(F13A1):c.1695G>A (p.Pro565=)

Gene: F13A1 (coagulation factor XIII A chain; minus strand). Cytogenetic location: 6p25.1.
Variant type: single nucleotide variant.
Coding change: c.1695G>A on transcript NM_000129.4 (MANE Select); coding-DNA position 1695, G replaced by A.
Protein change: p.Pro565=; no amino-acid change (proline 565 retained).
Molecular consequence: synonymous variant.
Genome position (GRCh38, 1-based): chr6:6,174,632, C>T on the plus strand (G>A on the coding strand, the complement: F13A1 is on the minus strand). VCF-style: chr6-6174632-C-T. GRCh37 (hg19) VCF-style: chr6-6174865-C-T.
Identifiers: ClinVar variation 1343429 (VCV001343429.3), dbSNP rs372651461, ClinGen allele CA3624278.
Genomic context (GRCh38, chr6:6,174,632, plus strand): 5'-TAGCTTACAGGACAAGGGCTCCAGCGTCACGTCGAACGTCTCCTTCTTGAATTCTGCCTT[C>T]GGGACCCCGGTGTAGAAGGTGATGTTGGCTGAGAGATAAGCTGTGATGGTGTAACGGTTG-3'
Protein context (NP_000120.2, residues 555-575): SANITFYTGV[Pro565=]KAEFKKETFD